The following is an entry in ClinVar:

NM_005121.3(MED13):c.110G>T (p.Gly37Val)

Gene: MED13 (mediator complex subunit 13; minus strand). Cytogenetic location: 17q23.2.
Variant type: single nucleotide variant.
Coding change: c.110G>T on transcript NM_005121.3 (MANE Select); coding-DNA position 110, G replaced by T.
Protein change: p.Gly37Val; replaces glycine 37 with valine.
Molecular consequence: missense variant.
Genome position (GRCh38, 1-based): chr17:62,063,258, C>A on the plus strand (G>T on the coding strand, the complement: MED13 is on the minus strand). VCF-style: chr17-62063258-C-A. GRCh37 (hg19) VCF-style: chr17-60140619-C-A.
Other names: short protein forms G37V.
Identifiers: ClinVar variation 4535037 (VCV004535037.6).

ClinVar aggregate classification (germline): Uncertain significance (1 of 4 stars; one submission).

Submission:

CeGaT Center for Human Genetics Tuebingen
Classification: Uncertain significance. Last evaluated: 2025-10-01. Review status: criteria provided, single submitter. Criteria: CeGaT Center For Human Genetics Tuebingen Variant Classification Criteria Version 2. Collection method: clinical testing. Allele origin: germline. Affected: yes. Observed: 1 variant allele.
Comment: MED13: PM2, PP3